The following is an entry in ClinVar:

NM_003982.4(SLC7A7):c.895-2A>T

Gene: SLC7A7 (solute carrier family 7 member 7; minus strand). Cytogenetic location: 14q11.2.
Variant type: single nucleotide variant.
Coding change: c.895-2A>T on transcript NM_003982.4 (MANE Select); the canonical splice acceptor site of the intron before coding-DNA position 895, A replaced by T.
Molecular consequence: splice acceptor variant.
Genome position (GRCh38, 1-based): chr14:22,775,938, T>A on the plus strand (A>T on the coding strand, the complement: SLC7A7 is on the minus strand). VCF-style: chr14-22775938-T-A. GRCh37 (hg19) VCF-style: chr14-23245147-T-A.
Other names: IVS6AS, A-T, -2; c.895-2A>T (NM_001126106.4, NM_001126105.3, NM_001126105.2).
Identifiers: ClinVar variation 816701 (VCV000816701.26), dbSNP rs146582474, ClinGen allele CA7104541.

ClinVar aggregate classification (germline): Pathogenic. Review status: criteria provided, multiple submitters, no conflicts (2 of 4 stars). 7 submissions from 7 submitters: Pathogenic (5). 2 of the submissions do not count toward it. Last evaluated 2025-11-18.

Conditions:
Lysinuric protein intolerance (LPI). Identifiers: Orphanet 470, MedGen C0268647, MONDO:0009109, OMIM 222700.
SLC7A7-related disorder. Also called: SLC7A7-related condition.

Allele frequency attached by ClinVar (database versions not stated): TOPMed 0.00002; ExAC 0.00030; 1000 Genomes Project 30x 0.00031; gnomAD 0.00035 and 0.00036; gnomAD exomes 0.00039 and 0.00043; 1000 Genomes Project 0.00040.
gnomAD v4.1: 294 of 1,609,168 alleles (0.018%); highest among the groups gnomAD compares: Non-Finnish European, 0.0011%; no homozygotes.

Submissions (7):

Labcorp Genetics (formerly Invitae), Labcorp
Classification: Pathogenic for Lysinuric protein intolerance. Last evaluated: 2025-11-18. Review status: criteria provided, single submitter. Criteria: Invitae Variant Classification Sherloc (09022015). Collection method: clinical testing. Allele origin: germline.
Comment: This sequence change affects an acceptor splice site in intron 6 of the SLC7A7 gene. RNA analysis indicates that disruption of this splice site induces altered splicing and may result in an absent or altered protein product. This variant is present in population databases (rs146582474, gnomAD 0.5%), and has an allele count higher than expected for a pathogenic variant. Disruption of this splice site has been observed in individuals with lysinuric protein intolerance (PMID: 10080182, 10080183). It is commonly reported in individuals of Finnish ancestry (PMID: 10080182, 10080183). ClinVar contains an entry for this variant (Variation ID: 816701). Studies have shown that disruption of this splice site results in 10 base pair deletion, and produces a non-functional protein and/or introduces a premature termination codon (PMID: 10080182, 10080183). For these reasons, this variant has been classified as Pathogenic.

Natera, Inc.
Classification: Pathogenic for Lysinuric protein intolerance. Last evaluated: 2024-12-04. Review status: criteria provided, single submitter. Criteria: Natera Variant Classification Schema (03/2026). Collection method: clinical testing. Allele origin: germline.
Comment: The c.895-2A>T variant in SLC7A7 is a canonical splice acceptor site variant predicted to affect pre-mRNA splicing, which may result in an abnormal transcript and altered protein product. This variant is expected to result in nonsense mediated decay, truncation, or a dysfunctional protein product. This variant is rare in the general population with a frequency below the threshold expected for the associated phenotype(s). This variant has been observed in one or more individuals affected with the associated recessive disease, as either homozygous or compound heterozygous with a second variant (PMID: 10080182). Given the available evidence, this variant is classified as Pathogenic.

Blueprint Genetics
Classification: Pathogenic for SLC7A7-related disorders. Last evaluated: 2024-11-06. Review status: criteria provided, single submitter. Criteria: ACMG Guidelines, 2015. Collection method: clinical testing. Allele origin: germline. Affected: yes. Observed: 5 variant alleles.

Fulgent Genetics
Classification: Pathogenic for Lysinuric protein intolerance. Last evaluated: 2024-03-12. Review status: criteria provided, single submitter. Criteria: ACMG Guidelines, 2015. Collection method: clinical testing. Allele origin: germline.

Genome-Nilou Lab
Classification: Pathogenic for Lysinuric protein intolerance. Last evaluated: 2021-11-07. Review status: criteria provided, single submitter. Criteria: ACMG Guidelines, 2015. Collection method: clinical testing. Allele origin: germline. Affected: no.

OMIM
Classification: Pathogenic for LYSINURIC PROTEIN INTOLERANCE. Last evaluated: 2008-01-01. Review status: no assertion criteria provided. Collection method: literature only. Allele origin: germline. Not counted in ClinVar's aggregate classification.

GeneReviews
No classification provided. Condition: Lysinuric protein intolerance. Review status: no classification provided. Collection method: literature only. Allele origin: germline. Not counted in ClinVar's aggregate classification.

Literature cited by the submitters: PubMed 10080182 (cited by 3 submitters); PubMed 10080183 (cited by Labcorp Genetics (formerly Invitae), Labcorp and OMIM); PubMed 10655553 (cited by OMIM); PubMed 17764084 (cited by OMIM); NCBI Bookshelf NBK1361 (cited by GeneReviews); PubMed 20301535 (cited by GeneReviews).